The following is an entry in ClinVar:

ClinVar aggregate classification (germline): Uncertain significance. Review status: criteria provided, multiple submitters, no conflicts (2 of 4 stars). 3 submissions from 3 submitters: Uncertain significance (3). Last evaluated 2024-04-01.

Conditions:
Neuropathy, hereditary sensory and autonomic, type 2A (HSAN2A). Also called: MORVAN DISEASE; NEUROPATHY, CONGENITAL SENSORY; NEUROPATHY, HEREDITARY SENSORY RADICULAR, AUTOSOMAL RECESSIVE; NEUROPATHY, HEREDITARY SENSORY, TYPE IIA; NEUROPATHY, PROGRESSIVE SENSORY, OF CHILDREN; ACROOSTEOLYSIS, GIACCAI TYPE. Identifiers: Orphanet 970, MedGen C2752089, MONDO:0024309, OMIM 201300.
Pseudohypoaldosteronism type 2C (PHA2C). Also called: Pseudohypoaldosteronism Type IIC. Identifiers: Orphanet 757, Orphanet 88940, MedGen C1840391, MONDO:0013778, OMIM 614492.

Allele frequency attached by ClinVar (database versions not stated): gnomAD exomes below 0.00001; ExAC 0.00001; gnomAD 0.00001; TOPMed 0.00001.
gnomAD v4.1: 6 of 1,610,852 alleles (0.00037%); highest among the groups gnomAD compares: Non-Finnish European, 0.00051%; no homozygotes.

Submissions (3):

CeGaT Center for Human Genetics Tuebingen
Classification: Uncertain significance. Last evaluated: 2024-04-01. Review status: criteria provided, single submitter. Criteria: CeGaT Center For Human Genetics Tuebingen Variant Classification Criteria Version 2. Collection method: clinical testing. Allele origin: germline. Affected: yes. Observed: 1 variant allele.
Comment: WNK1: PM2, BP4

Labcorp Genetics (formerly Invitae), Labcorp
Classification: Uncertain significance for Neuropathy, hereditary sensory and autonomic, type 2A; Pseudohypoaldosteronism type 2C. Last evaluated: 2024-01-28. Review status: criteria provided, single submitter. Criteria: Invitae Variant Classification Sherloc (09022015). Collection method: clinical testing. Allele origin: germline.
Comment: This sequence change replaces histidine, which is basic and polar, with arginine, which is basic and polar, at codon 2286 of the WNK1 protein (p.His2286Arg). This variant is present in population databases (rs72650766, gnomAD 0.0009%). This variant has not been reported in the literature in individuals affected with WNK1-related conditions. ClinVar contains an entry for this variant (Variation ID: 306617). Advanced modeling of protein sequence and biophysical properties (such as structural, functional, and spatial information, amino acid conservation, physicochemical variation, residue mobility, and thermodynamic stability) performed at Invitae indicates that this missense variant is not expected to disrupt WNK1 protein function with a negative predictive value of 95%. In summary, the available evidence is currently insufficient to determine the role of this variant in disease. Therefore, it has been classified as a Variant of Uncertain Significance.

Illumina Laboratory Services, Illumina
Classification: Uncertain significance for Pseudohypoaldosteronism type 2C. Last evaluated: 2018-01-12. Review status: criteria provided, single submitter. Criteria: ICSL Variant Classification Criteria 13 December 2019. Collection method: clinical testing. Allele origin: germline.

NM_018979.4(WNK1):c.6101A>G (p.His2034Arg)

Gene: WNK1 (WNK lysine deficient protein kinase 1; plus strand). Cytogenetic location: 12p13.33.
Variant type: single nucleotide variant.
Coding change: c.6101A>G on transcript NM_018979.4 (MANE Select); coding-DNA position 6101, A replaced by G.
Protein change: p.His2034Arg; replaces histidine 2034 with arginine.
Molecular consequence: missense variant.
Genome position (GRCh38, 1-based): chr12:896,588, A>G. VCF-style: chr12-896588-A-G. GRCh37 (hg19) VCF-style: chr12-1005754-A-G.
Other names: c.6881A>G, p.His2294Arg (NM_001184985.2); c.5357A>G, p.His1786Arg (NM_014823.3); c.6857A>G, p.His2286Arg (NM_213655.5); short protein forms H2286R, H2034R, H1786R, H2294R.
Identifiers: ClinVar variation 306617 (VCV000306617.30), dbSNP rs72650766, ClinGen allele CA6383332.